The following is an entry in ClinVar:

ClinVar aggregate classification (germline): Pathogenic/Likely pathogenic. Review status: criteria provided, multiple submitters, no conflicts (2 of 4 stars). 5 submissions from 5 submitters: Pathogenic (2); Likely pathogenic (1). 2 of the submissions do not count toward it. Last evaluated 2025-05-28.

Conditions:
FAN1-related disorder. Also called: FAN1-related condition.
Karyomegalic interstitial nephritis. Identifiers: Orphanet 401996, MedGen C3553774, MONDO:0013898, OMIM 614817.

Allele frequency attached by ClinVar (database versions not stated): TOPMed 0.00002; 1000 Genomes Project 0.00020; 1000 Genomes Project 30x 0.00016; ExAC 0.00002.
gnomAD v4.1: 78 of 1,614,000 alleles (0.0048%); highest among the groups gnomAD compares: Non-Finnish European, 0.0059%; no homozygotes.

Submissions (5):

Dasa
Classification: Likely pathogenic. Last evaluated: 2025-05-28. Review status: criteria provided, single submitter. Criteria: DASA Assertion Criteria. Collection method: clinical testing. Allele origin: germline.
Comment: NM_014967.5(FAN1):c.2245C>T (p.Arg749*) is a nonsense variant in FAN1 predicted to introduce a premature termination codon and is predicted to result in an absent or altered protein product. Loss of function is an established disease mechanism for FAN1-associated disorders. This variant has been reported in individuals with FAN1-related disorders (PMID: 22772369). Also, this variant is rare in population databases. Based on the currently available evidence, this variant is classified as likely pathogenic.

Fulgent Genetics
Classification: Pathogenic for Karyomegalic interstitial nephritis. Last evaluated: 2024-03-30. Review status: criteria provided, single submitter. Criteria: ACMG Guidelines, 2015. Collection method: clinical testing. Allele origin: germline.

Labcorp Genetics (formerly Invitae), Labcorp
Classification: Pathogenic. Last evaluated: 2022-04-14. Review status: criteria provided, single submitter. Criteria: Invitae Variant Classification Sherloc (09022015). Collection method: clinical testing. Allele origin: germline.
Comment: For these reasons, this variant has been classified as Pathogenic. Algorithms developed to predict the effect of sequence changes on RNA splicing suggest that this variant may create or strengthen a splice site. ClinVar contains an entry for this variant (Variation ID: 37097). This premature translational stop signal has been observed in individual(s) with interstitial nephritis (PMID: 22772369). This variant is present in population databases (rs387907279, gnomAD 0.006%). This sequence change creates a premature translational stop signal (p.Arg749*) in the FAN1 gene. It is expected to result in an absent or disrupted protein product. Loss-of-function variants in FAN1 are known to be pathogenic (PMID: 22772369).

PreventionGenetics, part of Exact Sciences
Classification: Pathogenic for FAN1-related condition. Last evaluated: 2024-03-20. Review status: no assertion criteria provided. Collection method: clinical testing. Allele origin: germline. Not counted in ClinVar's aggregate classification.
Comment: The FAN1 c.2245C>T variant is predicted to result in premature protein termination (p.Arg749*). This variant was reported in an individual with autosomal recessive karyomegalic interstitial nephritis (Zhou et al 2012. PubMed ID: 22772369). This variant is reported in 0.010% of alleles in individuals of East Asian descent in gnomAD. Nonsense variants in FAN1 are expected to be pathogenic. This variant is interpreted as pathogenic for autosomal recessive FAN1-related disorders.

OMIM
Classification: Pathogenic for INTERSTITIAL NEPHRITIS, KARYOMEGALIC. Last evaluated: 2012-07-08. Review status: no assertion criteria provided. Collection method: literature only. Allele origin: germline. Not counted in ClinVar's aggregate classification.

Literature cited by the submitters: PubMed 22772369 (cited by 3 submitters); PubMed 26052075 (cited by Dasa); PubMed 26546047 (cited by Dasa).

NM_014967.5(FAN1):c.2245C>T (p.Arg749Ter)

Genes: MTMR10 (myotubularin related protein 10; minus strand), FAN1 (FANCD2 and FANCI associated nuclease 1; plus strand). Cytogenetic location: 15q13.3.
Variant type: single nucleotide variant.
Coding change: c.2245C>T on transcript NM_014967.5 (MANE Select); coding-DNA position 2245, C replaced by T.
Protein change: p.Arg749Ter; replaces arginine 749 with a stop codon.
Molecular consequence: nonsense.
Genome position (GRCh38, 1-based): chr15:30,925,199, C>T. VCF-style: chr15-30925199-C-T. GRCh37 (hg19) VCF-style: chr15-31217402-C-T.
Other names: c.2245C>T (NM_014967.4); short protein forms R749*.
Identifiers: ClinVar variation 37097 (VCV000037097.13), dbSNP rs387907279, ClinGen allele CA130078.
Genomic context (GRCh38, chr15:30,925,199, plus strand): 5'-ATCACAGAGGGGCTGGCGGATCCGGAAGTCAGAACGGGACACCGCCTTTCACTGTATCAG[C>T]GAGCCGTGCGCCTGCGAGAGTCTCCGAGCTGTAAAAAGTTCAAGCACCTCTTCCAGCAGC-3'